The following is an entry in ClinVar:

ClinVar aggregate classification (germline): Likely pathogenic (1 of 4 stars; one submission).

Conditions:
Autosomal recessive polycystic kidney disease (ARPKD). Also called: AR polycystic kidney disease. Identifiers: Orphanet 731, Orphanet 8378, MedGen C0085548, MeSH D017044, MONDO:0009889.

Submission:

Natera, Inc.
Classification: Likely pathogenic for Autosomal recessive polycystic kidney disease. Last evaluated: 2024-06-12. Review status: criteria provided, single submitter. Criteria: Natera Variant Classification Schema (03/2026). Collection method: clinical testing. Allele origin: germline.
Comment: The c.606T>A variant in PKHD1 is a nonsense variant predicted to introduce a stop codon at amino acid 202. This variant is expected to result in nonsense mediated decay, truncation, or a dysfunctional protein product. This variant is rare in the general population with a frequency below the threshold expected for the associated phenotype(s). Given the available evidence, this variant is classified as Likely Pathogenic.

NM_138694.4(PKHD1):c.606T>A (p.Tyr202Ter)

Gene: PKHD1 (PKHD1 ciliary IPT domain containing fibrocystin/polyductin; minus strand). Cytogenetic location: 6p12.2.
Variant type: single nucleotide variant.
Coding change: c.606T>A on transcript NM_138694.4 (MANE Select); coding-DNA position 606, T replaced by A.
Protein change: p.Tyr202Ter; replaces tyrosine 202 with a stop codon.
Molecular consequence: nonsense.
Genome position (GRCh38, 1-based): chr6:52,071,067, A>T on the plus strand (T>A on the coding strand, the complement: PKHD1 is on the minus strand). VCF-style: chr6-52071067-A-T. GRCh37 (hg19) VCF-style: chr6-51935865-A-T.
Other names: c.606T>A, p.Tyr202Ter (NM_170724.3); short protein forms Y202*.
Identifiers: ClinVar variation 4816708 (VCV004816708.1).